The following is an entry in ClinVar:

NM_006206.6(PDGFRA):c.3017G>T (p.Gly1006Val)

Gene: PDGFRA (platelet derived growth factor receptor alpha; plus strand). Cytogenetic location: 4q12.
Variant type: single nucleotide variant.
Coding change: c.3017G>T on transcript NM_006206.6 (MANE Select); coding-DNA position 3017, G replaced by T.
Protein change: p.Gly1006Val; replaces glycine 1006 with valine.
Molecular consequence: missense variant.
Genome position (GRCh38, 1-based): chr4:54,290,449, G>T. VCF-style: chr4-54290449-G-T. GRCh37 (hg19) VCF-style: chr4-55156616-G-T.
Other names: c.3092G>T, p.Gly1031Val (NM_001347828.2); c.3017G>T, p.Gly1006Val (NM_001347829.2); c.3056G>T, p.Gly1019Val (NM_001347830.2); short protein forms G1019V, G1006V, G1031V.
Identifiers: ClinVar variation 5026386 (VCV005026386.1).
Genomic context (GRCh38, chr4:54,290,449, plus strand): 5'-ATGCATACATTGGTGTCACCTACAAAAACGAGGAAGACAAGCTGAAGGACTGGGAGGGTG[G>T]TCTGGATGAGCAGAGACTGAGCGCTGACAGTGGCTACATCATTCCTCTGCCTGACATTGA-3'
Protein context (NP_006197.1, residues 996-1016): EEDKLKDWEG[Gly1006Val]LDEQRLSADS

ClinVar aggregate classification (germline): Uncertain significance (1 of 4 stars; one submission).

Conditions:
Hereditary cancer-predisposing syndrome. Also called: Neoplastic Syndromes, Hereditary; Tumor predisposition; Hereditary neoplastic syndrome; Hereditary Cancer Syndrome. Identifiers: Orphanet 140162, MedGen C0027672, MeSH D009386, MONDO:0015356.

Submission:

Ambry Genetics
Classification: Uncertain significance for Hereditary cancer-predisposing syndrome. Last evaluated: 2026-07-07. Review status: criteria provided, single submitter. Criteria: Ambry Variant Classification Scheme 2023. Collection method: clinical testing. Allele origin: germline.
Comment: The p.G1006V variant (also known as c.3017G>T), located in coding exon 21 of the PDGFRA gene, results from a G to T substitution at nucleotide position 3017. The glycine at codon 1006 is replaced by valine, an amino acid with dissimilar properties. This amino acid position is conserved. In addition, the in silico prediction for this alteration is inconclusive. Based on the available evidence, the clinical significance of this variant remains unclear.